The following is an entry in ClinVar:

ClinVar aggregate classification (germline): Uncertain significance (1 of 4 stars; one submission).

Submission:

Labcorp Genetics (formerly Invitae), Labcorp
Classification: Uncertain significance. Last evaluated: 2021-08-07. Review status: criteria provided, single submitter. Criteria: Invitae Variant Classification Sherloc (09022015). Collection method: clinical testing. Allele origin: germline.
Comment: This sequence change replaces aspartic acid with tyrosine at codon 318 of the MICU1 protein (p.Asp318Tyr). The aspartic acid residue is highly conserved and there is a large physicochemical difference between aspartic acid and tyrosine. This variant is not present in population databases (ExAC no frequency). This variant has not been reported in the literature in individuals affected with MICU1-related conditions. Algorithms developed to predict the effect of missense changes on protein structure and function are either unavailable or do not agree on the potential impact of this missense change (SIFT: "Deleterious"; PolyPhen-2: "Not Available"; Align-GVGD: "Class C45"). In summary, the available evidence is currently insufficient to determine the role of this variant in disease. Therefore, it has been classified as a Variant of Uncertain Significance.

NM_001195518.2(MICU1):c.946G>T (p.Asp316Tyr)

Gene: MICU1 (mitochondrial calcium uptake 1; minus strand). Cytogenetic location: 10q22.1.
Variant type: single nucleotide variant.
Coding change: c.946G>T on transcript NM_001195518.2 (MANE Select); coding-DNA position 946, G replaced by T.
Protein change: p.Asp316Tyr; replaces aspartic acid 316 with tyrosine.
Molecular consequence: missense variant.
Genome position (GRCh38, 1-based): chr10:72,423,359, C>A on the plus strand (G>T on the coding strand, the complement: MICU1 is on the minus strand). VCF-style: chr10-72423359-C-A. GRCh37 (hg19) VCF-style: chr10-74183117-C-A.
Other names: c.352G>T, p.Asp118Tyr (NM_001195519.2); c.964G>T, p.Asp322Tyr (NM_001363513.2); c.952G>T, p.Asp318Tyr (NM_006077.4); short protein forms D118Y, D318Y, D322Y, D316Y.
Identifiers: ClinVar variation 1481467 (VCV001481467.6), dbSNP rs2132138011, ClinGen allele CA377172269.